The following is an entry in ClinVar:

NM_183075.3(CYP2U1):c.1224G>A (p.Met408Ile)

Gene: CYP2U1 (cytochrome P450 family 2 subfamily U member 1; plus strand). Cytogenetic location: 4q25.
Variant type: single nucleotide variant.
Coding change: c.1224G>A on transcript NM_183075.3 (MANE Select); coding-DNA position 1224, G replaced by A.
Protein change: p.Met408Ile; replaces methionine 408 with isoleucine.
Molecular consequence: missense variant.
Genome position (GRCh38, 1-based): chr4:107,947,473, G>A. VCF-style: chr4-107947473-G-A. GRCh37 (hg19) VCF-style: chr4-108868629-G-A.
Other names: short protein forms M408I.
Identifiers: ClinVar variation 1523597 (VCV001523597.6), dbSNP rs1290682250, ClinGen allele CA357838583.
Genomic context (GRCh38, chr4:107,947,473, plus strand): 5'-CAACCGAGCTCCTTCCCTCACAGACAAGGCCCAGATGCCCTACACAGAAGCCACCATCAT[G>A]GAAGTGCAGAGGCTAACTGTGGTGGTGCCGCTTGCCATTCCTCATATGACCTCAGAGAAC-3'
Protein context (NP_898898.1, residues 398-418): AQMPYTEATI[Met408Ile]EVQRLTVVVP

ClinVar aggregate classification (germline): Uncertain significance (1 of 4 stars; one submission).

Conditions:
Spastic paraplegia. Identifiers: MedGen C0037772, HP:0001258.

Allele frequency attached by ClinVar (database versions not stated): gnomAD exomes below 0.00001.
gnomAD v4.1: 6 of 1,614,124 alleles (0.00037%); highest among the groups gnomAD compares: Non-Finnish European, 0.00042%; no homozygotes.

Submission:

Labcorp Genetics (formerly Invitae), Labcorp
Classification: Uncertain significance for Spastic paraplegia. Last evaluated: 2022-06-27. Review status: criteria provided, single submitter. Criteria: Invitae Variant Classification Sherloc (09022015). Collection method: clinical testing. Allele origin: germline.
Comment: This variant has not been reported in the literature in individuals affected with CYP2U1-related conditions. This variant is present in population databases (no rsID available, gnomAD 0.0009%). This sequence change replaces methionine, which is neutral and non-polar, with isoleucine, which is neutral and non-polar, at codon 408 of the CYP2U1 protein (p.Met408Ile). Advanced modeling of protein sequence and biophysical properties (such as structural, functional, and spatial information, amino acid conservation, physicochemical variation, residue mobility, and thermodynamic stability) performed at Invitae indicates that this missense variant is not expected to disrupt CYP2U1 protein function. In summary, the available evidence is currently insufficient to determine the role of this variant in disease. Therefore, it has been classified as a Variant of Uncertain Significance.